The following is an entry in ClinVar:

ClinVar aggregate classification (germline): Uncertain significance (1 of 4 stars; one submission).

Submission:

Biesecker Lab/Clinical Genomics Section, National Institutes of Health
Classification: Uncertain significance. Last evaluated: 2013-06-24. Review status: criteria provided, single submitter. Criteria: Ng et al. (Circ Cardiovasc Genet. 2013). Collection method: research. Allele origin: unknown. Observed: 1 variant allele. Study: ClinSeq.
Comment: The study set was not selected for affection status in relation to any cancer. Pathogenicity categories were based on literature curation. See Pubmed ID:23861362 for details.

Medical sequencing

NM_001267550.2(TTN):c.65533C>T (p.Pro21845Ser)

Genes: TTN (titin; minus strand), TTN-AS1 (TTN antisense RNA 1; plus strand). Cytogenetic location: 2q31.2.
Variant type: single nucleotide variant.
Coding change: c.65533C>T on transcript NM_001267550.2 (MANE Select); coding-DNA position 65533, C replaced by T.
Protein change: p.Pro21845Ser; replaces proline 21845 with serine.
Molecular consequence: missense variant. On other transcripts: non-coding transcript variant (1).
Genome position (GRCh38, 1-based): chr2:178,583,649, G>A on the plus strand (C>T on the coding strand, the complement: TTN is on the minus strand). VCF-style: chr2-178583649-G-A. GRCh37 (hg19) VCF-style: chr2-179448376-G-A.
Other names: c.60610C>T, p.Pro20204Ser (NM_001256850.1); c.38338C>T, p.Pro12780Ser (NM_003319.4); c.57829C>T, p.Pro19277Ser (NM_133378.4); c.38713C>T, p.Pro12905Ser (NM_133432.3); c.38914C>T, p.Pro12972Ser (NM_133437.4); short protein forms P19277S, P21845S, P12905S, P12972S, P20204S, P12780S.
Identifiers: ClinVar variation 191920 (VCV000191920.1), dbSNP rs786205386, ClinGen allele CA237873.